The following is an entry in ClinVar:

NM_000059.4(BRCA2):c.1573del (p.Thr525fs)

Gene: BRCA2 (BRCA2 DNA repair associated; plus strand). Cytogenetic location: 13q13.1.
Variant type: Deletion.
Coding change: c.1573del on transcript NM_000059.4 (MANE Select); coding-DNA position 1573, one base deleted (A; older notation c.1573delA).
Protein change: p.Thr525fs; shifts the reading frame from threonine 525.
Molecular consequence: frameshift variant. On other transcripts: non-coding transcript variant (1), intron variant (1).
Genome position (GRCh38, 1-based): chr13:32,333,051, A deleted. VCF-style (leftmost placement, unchanged base first): chr13-32333050-GA-G. GRCh37 (hg19) VCF-style: chr13-32907187-GA-G.
Other names: c.1573del, p.Thr525fs (NM_001406719.1, NM_001406720.1, NM_001406721.1); c.424+2021del (NM_001406722.1); short protein forms T525fs.
Identifiers: ClinVar variation 2586283 (VCV002586283.2), dbSNP rs2548520549, ClinGen allele CA2582341837.

ClinVar aggregate classification (germline): Pathogenic (1 of 4 stars; one submission).

Conditions:
Hereditary cancer-predisposing syndrome. Also called: Hereditary neoplastic syndrome; Tumor predisposition; Hereditary Cancer Syndrome; Neoplastic Syndromes, Hereditary. Identifiers: Orphanet 140162, MedGen C0027672, MeSH D009386, MONDO:0015356.

Submission:

Ambry Genetics
Classification: Pathogenic for Hereditary cancer-predisposing syndrome. Last evaluated: 2023-07-19. Review status: criteria provided, single submitter. Criteria: Ambry Variant Classification Scheme 2023. Collection method: clinical testing. Allele origin: germline.
Comment: The c.1573delA pathogenic mutation, located in coding exon 9 of the BRCA2 gene, results from a deletion of one nucleotide at nucleotide position 1573, causing a translational frameshift with a predicted alternate stop codon (p.T525Lfs*33). This variant is considered to be rare based on population cohorts in the Genome Aggregation Database (gnomAD). This alteration is expected to result in loss of function by premature protein truncation or nonsense-mediated mRNA decay. As such, this alteration is interpreted as a disease-causing mutation.